The following is an entry in ClinVar:

NM_004963.4(GUCY2C):c.1245G>C (p.Trp415Cys)

Genes: GUCY2C (guanylate cyclase 2C; minus strand), GUCY2C-AS1 (GUCY2C antisense RNA 1; plus strand). Cytogenetic location: 12p12.3.
Variant type: single nucleotide variant.
Coding change: c.1245G>C on transcript NM_004963.4 (MANE Select); coding-DNA position 1245, G replaced by C.
Protein change: p.Trp415Cys; replaces tryptophan 415 with cysteine.
Molecular consequence: missense variant.
Genome position (GRCh38, 1-based): chr12:14,669,759, C>G on the plus strand (G>C on the coding strand, the complement: GUCY2C is on the minus strand). VCF-style: chr12-14669759-C-G. GRCh37 (hg19) VCF-style: chr12-14822693-C-G.
Other names: short protein forms W415C.
Identifiers: ClinVar variation 4743961 (VCV004743961.1).

ClinVar aggregate classification (germline): Uncertain significance (1 of 4 stars; one submission).

gnomAD v4.1: 1 of 1,603,630 alleles (0.000062%); highest among the groups gnomAD compares: African/African-American, 0.0013%; no homozygotes.

Submission:

Labcorp Genetics (formerly Invitae), Labcorp
Classification: Uncertain significance. Last evaluated: 2025-08-10. Review status: criteria provided, single submitter. Criteria: Invitae Variant Classification Sherloc (09022015). Collection method: clinical testing. Allele origin: germline.
Comment: This sequence change replaces tryptophan, which is neutral and slightly polar, with cysteine, which is neutral and slightly polar, at codon 415 of the GUCY2C protein (p.Trp415Cys). This variant is not present in population databases (gnomAD no frequency). This variant has not been reported in the literature in individuals affected with GUCY2C-related conditions. Invitae Evidence Modeling of protein sequence and biophysical properties (such as structural, functional, and spatial information, amino acid conservation, physicochemical variation, residue mobility, and thermodynamic stability) indicates that this missense variant is expected to disrupt GUCY2C protein function with a positive predictive value of 80%. In summary, the available evidence is currently insufficient to determine the role of this variant in disease. Therefore, it has been classified as a Variant of Uncertain Significance.